The following is an entry in ClinVar:

NM_000944.5(PPP3CA):c.1528A>G (p.Thr510Ala)

Gene: PPP3CA (protein phosphatase 3 catalytic subunit alpha; minus strand). Cytogenetic location: 4q24.
Variant type: single nucleotide variant.
Coding change: c.1528A>G on transcript NM_000944.5 (MANE Select); coding-DNA position 1528, A replaced by G.
Protein change: p.Thr510Ala; replaces threonine 510 with alanine.
Molecular consequence: missense variant.
Genome position (GRCh38, 1-based): chr4:101,025,903, T>C on the plus strand (A>G on the coding strand, the complement: PPP3CA is on the minus strand). VCF-style: chr4-101025903-T-C. GRCh37 (hg19) VCF-style: chr4-101947060-T-C.
Other names: c.1498A>G, p.Thr500Ala (NM_001130691.2); c.1372A>G, p.Thr458Ala (NM_001130692.2); short protein forms T458A, T500A, T510A.
Identifiers: ClinVar variation 4279530 (VCV004279530.1).

ClinVar aggregate classification (germline): Uncertain significance (1 of 4 stars; one submission).

Conditions:
Developmental and epileptic encephalopathy 91. Also called: EPILEPTIC ENCEPHALOPATHY, INFANTILE OR EARLY CHILDHOOD, 1. Identifiers: MedGen C4540199, MONDO:0020630, OMIM 617711.

Submission:

Department of Paediatrics at Addenbrookes, Cambridge University Hospitals NHS Foundation Trust (UK)
Classification: Uncertain significance for Developmental and epileptic encephalopathy 91. Last evaluated: 2025-05-27. Review status: criteria provided, single submitter. Criteria: Durkie Uk Practice Guidelines For Variant Classification V12 2024 (1). Collection method: clinical testing. Allele origin: unknown.
Comment: PM2_Moderate; PP2_Supporting; BP4_Supporting